The following is an entry in ClinVar:

NM_152564.5(VPS13B):c.8793-6del

Gene: VPS13B (vacuolar protein sorting 13 homolog B; plus strand). Cytogenetic location: 8q22.2.
Variant type: Deletion.
Coding change: c.8793-6del on transcript NM_152564.5 (MANE Select); 6 bases into the intron before coding-DNA position 8793, one base deleted (G; older notation c.8793-6delG).
Molecular consequence: intron variant.
Genome position (GRCh38, 1-based): chr8:99,819,915, G deleted; the last of 2 consecutive G bases (chr8:99,819,914-99,819,915); deleting either gives the same sequence. VCF-style (leftmost placement, unchanged base first): chr8-99819913-TG-T. GRCh37 (hg19) VCF-style: chr8-100832141-TG-T.
Other names: c.8868-6delG (NM_017890.4); c.8793-6delG (NM_152564.4); c.8868-6del (NM_017890.5).
Identifiers: ClinVar variation 737712 (VCV000737712.11), dbSNP rs756641209, ClinGen allele CA4824567.

ClinVar aggregate classification (germline): Likely benign. Review status: criteria provided, multiple submitters, no conflicts (2 of 4 stars). 2 submissions from 2 submitters: Likely benign (2). Last evaluated 2026-01-12.

Conditions:
Cohen syndrome (COH1). Also called: Cutis verticis gyrata, retinitis pigmentosa, and sensorineural deafness; PEPPER SYNDROME. Identifiers: Orphanet 193, MedGen C0265223, MONDO:0008999, OMIM 216550.
VPS13B-related disorder. Also called: VPS13B-related condition.

Submissions (2):

Labcorp Genetics (formerly Invitae), Labcorp
Classification: Likely benign for Cohen syndrome. Last evaluated: 2026-01-12. Review status: criteria provided, single submitter. Criteria: Invitae Variant Classification Sherloc (09022015). Collection method: clinical testing. Allele origin: germline.

PreventionGenetics, part of Exact Sciences
Classification: Likely benign for VPS13B-related condition. Last evaluated: 2025-03-11. Review status: criteria provided, single submitter. Criteria: ACMG Guidelines, 2015. Collection method: clinical testing. Allele origin: germline.
Comment: This variant is classified as likely benign based on ACMG/AMP sequence variant interpretation guidelines (Richards et al. 2015 PMID: 25741868, with internal and published modifications).